The following is an entry in ClinVar:

NM_001282933.2(ZNF341):c.626G>A (p.Arg209His)

Gene: ZNF341 (zinc finger protein 341; plus strand). Cytogenetic location: 20q11.22.
Variant type: single nucleotide variant.
Coding change: c.626G>A on transcript NM_001282933.2 (MANE Select); coding-DNA position 626, G replaced by A.
Protein change: p.Arg209His; replaces arginine 209 with histidine.
Molecular consequence: missense variant. On other transcripts: non-coding transcript variant (1).
Genome position (GRCh38, 1-based): chr20:33,753,308, G>A. VCF-style: chr20-33753308-G-A. GRCh37 (hg19) VCF-style: chr20-32341114-G-A.
Other names: c.356G>A, p.Arg119His (NM_001282935.2); c.626G>A, p.Arg209His (NM_032819.5); c.626G>A (NM_032819.3); short protein forms R119H, R209H.
Identifiers: ClinVar variation 1419769 (VCV001419769.4), dbSNP rs567905770, ClinGen allele CA9819225.

ClinVar aggregate classification (germline): Uncertain significance. Review status: criteria provided, multiple submitters, no conflicts (2 of 4 stars). 2 submissions from 2 submitters: Uncertain significance (2). Last evaluated 2022-08-16.

Allele frequency attached by ClinVar (database versions not stated): ExAC 0.00002; gnomAD exomes 0.00004; TOPMed 0.00004; gnomAD 0.00006.
gnomAD v4.1: 89 of 1,611,478 alleles (0.0055%); highest among the groups gnomAD compares: South Asian, 0.011%; no homozygotes.

Submissions (2):

Labcorp Genetics (formerly Invitae), Labcorp
Classification: Uncertain significance. Last evaluated: 2022-08-16. Review status: criteria provided, single submitter. Criteria: Invitae Variant Classification Sherloc (09022015). Collection method: clinical testing. Allele origin: germline.
Comment: This sequence change replaces arginine, which is basic and polar, with histidine, which is basic and polar, at codon 209 of the ZNF341 protein (p.Arg209His). This variant is present in population databases (rs567905770, gnomAD 0.009%). This variant has not been reported in the literature in individuals affected with ZNF341-related conditions. ClinVar contains an entry for this variant (Variation ID: 1419769). Algorithms developed to predict the effect of missense changes on protein structure and function are either unavailable or do not agree on the potential impact of this missense change (SIFT: "Tolerated"; PolyPhen-2: "Possibly Damaging"; Align-GVGD: "Class C0"). In summary, the available evidence is currently insufficient to determine the role of this variant in disease. Therefore, it has been classified as a Variant of Uncertain Significance.

Ambry Genetics
Classification: Uncertain significance. Last evaluated: 2021-09-17. Review status: criteria provided, single submitter. Criteria: Ambry Variant Classification Scheme 2023. Collection method: clinical testing. Allele origin: germline.